The following is an entry in ClinVar:

NM_000465.4(BARD1):c.1224_1227del (p.Met408fs)

Gene: BARD1 (BRCA1 associated RING domain 1; minus strand). Cytogenetic location: 2q35.
Variant type: Deletion.
Coding change: c.1224_1227del on transcript NM_000465.4 (MANE Select); coding-DNA positions 1224 to 1227, 4 bases deleted (GTCT; older notation c.1224_1227delGTCT).
Protein change: p.Met408fs; shifts the reading frame from methionine 408.
Molecular consequence: frameshift variant. On other transcripts: non-coding transcript variant (2), intron variant (3).
Genome position (GRCh38, 1-based): chr2:214,780,647-214,780,650, AGAC deleted on the plus strand (GTCT on the coding strand, the reverse complement: BARD1 is on the minus strand); deleting any 4 consecutive bases within chr2:214,780,647-214,780,651 gives the same sequence; the c. name uses the placement nearest the transcript's 3' end. VCF-style (leftmost placement, unchanged base first): chr2-214780646-TAGAC-T. GRCh37 (hg19) VCF-style: chr2-215645370-TAGAC-T.
Other names: c.1167_1170del, p.Met389fs (NM_001282543.2); c.159-28095_159-28092del (NM_001282548.2); c.215+16411_215+16414del (NM_001282545.2); c.364+11647_364+11650del (NM_001282549.2); c.1224_1227delGTCT (NM_000465.4); short protein forms M408fs, M389fs.
Identifiers: ClinVar variation 479174 (VCV000479174.13), dbSNP rs1553622164, ClinGen allele CA658657239.

ClinVar aggregate classification (germline): Pathogenic/Likely pathogenic. Review status: criteria provided, multiple submitters, no conflicts (2 of 4 stars). 6 submissions from 6 submitters: Pathogenic (5); Likely pathogenic (1). Last evaluated 2025-08-25.

Conditions:
Hereditary cancer-predisposing syndrome. Also called: Neoplastic Syndromes, Hereditary; Hereditary Cancer Syndrome; Hereditary neoplastic syndrome; Tumor predisposition. Identifiers: Orphanet 140162, MedGen C0027672, MeSH D009386, MONDO:0015356.
Familial cancer of breast. Also called: BREAST CANCER, FAMILIAL; hereditary breast carcinoma; Hereditary breast cancer. Identifiers: Orphanet 227535, MedGen C0346153, MONDO:0016419, OMIM 114480. Disease mechanism: loss of function.

Submissions (6):

Labcorp Genetics (formerly Invitae), Labcorp
Classification: Pathogenic for Familial cancer of breast. Last evaluated: 2025-08-25. Review status: criteria provided, single submitter. Criteria: Invitae Variant Classification Sherloc (09022015). Collection method: clinical testing. Allele origin: germline.
Comment: This sequence change creates a premature translational stop signal (p.Met408Ilefs*6) in the BARD1 gene. It is expected to result in an absent or disrupted protein product. Loss-of-function variants in BARD1 are known to be pathogenic (PMID: 20077502, 21344236). This variant is not present in population databases (gnomAD no frequency). This variant has not been reported in the literature in individuals affected with BARD1-related conditions. ClinVar contains an entry for this variant (Variation ID: 479174). Algorithms developed to predict the effect of sequence changes on RNA splicing suggest that this variant may disrupt the consensus splice site. For these reasons, this variant has been classified as Pathogenic.

Institute for Biomarker Research, Medical Diagnostic Laboratories, L.L.C.
Classification: Pathogenic for Hereditary cancer-predisposing syndrome. Last evaluated: 2024-11-05. Review status: criteria provided, single submitter. Criteria: ACMG Guidelines, 2015. Collection method: clinical testing. Allele origin: germline.
Comment: The frameshift deletion NM_000465.4(BARD1):c.1224_1227delGTCT (p.Met408Ilefs*6) has been reported to ClinVar as Pathogenic/Likely pathogenic with a status of (2 stars) criteria provided, multiple submitters, no conflicts (Variation ID 479174 as of 2024-10-03). The p.Met408Ilefs*6 variant is novel (not in any individuals) in gnomAD. The p.Met408Ilefs*6 variant is novel (not in any individuals) in 1kG. This variant is predicted to cause loss of normal protein function through protein truncation caused a frameshift mutation. This variant is a frameshift variant which occurs in an exon of BARD1 upstream of where nonsense mediated decay is predicted to occur. The p.Met408Ilefs*6 variant is a loss of function variant in the gene BARD1, which is intolerant of Loss of Function variants, as indicated by the presence of existing pathogenic loss of function variant NP_000456.2:p.Q6* and 425 others. For these reasons, this variant has been classified as Pathogenic.

Myriad Genetics, Inc.
Classification: Pathogenic for Familial cancer of breast. Last evaluated: 2023-05-22. Review status: criteria provided, single submitter. Criteria: Myriad Autosomal Dominant, Autosomal Recessive and X-Linked Classification Criteria (2023). Collection method: clinical testing. Allele origin: unknown.
Comment: This variant is considered pathogenic. This variant creates a frameshift predicted to result in premature protein truncation.

Color Diagnostics, LLC DBA Color Health
Classification: Pathogenic for Hereditary cancer-predisposing syndrome. Last evaluated: 2021-04-30. Review status: criteria provided, single submitter. Criteria: ACMG Guidelines, 2015. Collection method: clinical testing. Allele origin: germline.
Comment: This variant deletes 4 nucleotides in exon 4 of the BARD1 gene, creating a frameshift and premature translation stop signal. This variant is expected to result in an absent or non-functional protein product. To our knowledge, this variant has not been reported in individuals affected with hereditary cancer in the literature. This variant has not been identified in the general population by the Genome Aggregation Database (gnomAD). Loss of BARD1 function is a known mechanism of disease. Based on the available evidence, this variant is classified as Pathogenic.

GeneDx
Classification: Likely pathogenic. Last evaluated: 2017-08-04. Review status: criteria provided, single submitter. Criteria: GeneDx Variant Classification (06012015). Collection method: clinical testing. Allele origin: germline. Affected: yes.
Comment: This deletion of four nucleotides in BARD1 is denoted c.1224_1227delGTCT at the cDNA level and p.Met408IlefsX6 (M408IfsX6) at the protein level. The normal sequence, with the bases that are deleted in brackets, is TGAT[delGTCT]AGTC. The deletion causes a frameshift which changes a Methionine to an Isoleucine at codon 408, and creates a premature stop codon at position 6 of the new reading frame. Although this variant has not, to our knowledge, been reported in the literature, it is predicted to cause loss of normal protein function through either protein truncation or nonsense-mediated mRNA decay. Based on the currently available information, we consider this deletion to be a likely pathogenic variant.

Ambry Genetics
Classification: Pathogenic for Hereditary cancer-predisposing syndrome. Last evaluated: 2016-12-21. Review status: criteria provided, single submitter. Criteria: Ambry Variant Classification Scheme 2023. Collection method: clinical testing. Allele origin: germline.
Comment: The c.1224_1227delGTCT pathogenic mutation, located in coding exon 4 of the BARD1 gene, results from a deletion of 4 nucleotides at nucleotide positions 1224 to 1227, causing a translational frameshift with a predicted alternate stop codon (p.M408Ifs*6). This alteration is expected to result in loss of function by premature protein truncation or nonsense-mediated mRNA decay. As such, this alteration is interpreted as a disease-causing mutation.

Literature cited by the submitters: PubMed 20077502 (cited by Labcorp Genetics (formerly Invitae), Labcorp); PubMed 21344236 (cited by Labcorp Genetics (formerly Invitae), Labcorp).